The following is an entry in ClinVar:

ClinVar aggregate classification (germline): Likely benign. Review status: criteria provided, multiple submitters, no conflicts (2 of 4 stars). 3 submissions from 3 submitters: Likely benign (2). 1 of the submissions does not count toward it. Last evaluated 2026-01-24.

Conditions:
MLC1-related disorder. Also called: MLC1-related condition.

Allele frequency attached by ClinVar (database versions not stated): ExAC 0.00004; gnomAD exomes 0.00004; ESP Exome Variant Server 0.00008; gnomAD 0.00016 and 0.00017; TOPMed 0.00022; 1000 Genomes Project 0.00040; 1000 Genomes Project 30x 0.00047.
gnomAD v4.1: 92 of 1,614,046 alleles (0.0057%); highest among the groups gnomAD compares: Admixed American, 0.038%; no homozygotes.

Submissions (3):

Labcorp Genetics (formerly Invitae), Labcorp
Classification: Likely benign. Last evaluated: 2026-01-24. Review status: criteria provided, single submitter. Criteria: Invitae Variant Classification Sherloc (09022015). Collection method: clinical testing. Allele origin: germline.

Blueprint Genetics
Classification: Likely benign. Last evaluated: 2024-09-04. Review status: criteria provided, single submitter. Criteria: ACMG Guidelines, 2015. Collection method: clinical testing. Allele origin: germline.

PreventionGenetics, part of Exact Sciences
Classification: Likely benign for MLC1-related condition. Last evaluated: 2022-06-05. Review status: no assertion criteria provided. Collection method: clinical testing. Allele origin: germline. Not counted in ClinVar's aggregate classification.
Comment: This variant is classified as likely benign based on ACMG/AMP sequence variant interpretation guidelines (Richards et al. 2015 PMID: 25741868, with internal and published modifications).

NM_015166.4(MLC1):c.354G>A (p.Thr118=)

Gene: MLC1 (modulator of VRAC current 1; minus strand). Cytogenetic location: 22q13.33.
Variant type: single nucleotide variant.
Coding change: c.354G>A on transcript NM_015166.4 (MANE Select); coding-DNA position 354, G replaced by A.
Protein change: p.Thr118=; no amino-acid change (threonine 118 retained).
Molecular consequence: synonymous variant. On other transcripts: non-coding transcript variant (3), intron variant (3).
Genome position (GRCh38, 1-based): chr22:50,079,987, C>T on the plus strand (G>A on the coding strand, the complement: MLC1 is on the minus strand). VCF-style: chr22-50079987-C-T. GRCh37 (hg19) VCF-style: chr22-50518416-C-T.
Other names: c.354G>A, p.Thr118= (NM_001376472.1, NM_001376473.1, NM_001376474.1 and 6 more transcripts); c.264G>A, p.Thr88= (NM_001376480.1); c.117G>A, p.Thr39= (NM_001376484.1); c.268-2485G>A (NM_001376482.1, NM_001376483.1); c.321+357G>A (NM_001376481.1); c.354G>A (NM_015166.3).
Identifiers: ClinVar variation 1084198 (VCV001084198.12), dbSNP rs201819346, ClinGen allele CA10303579.